The following is an entry in ClinVar:

NM_001430.5(EPAS1):c.1873A>G (p.Ser625Gly)

Gene: EPAS1 (endothelial PAS domain protein 1; plus strand). Cytogenetic location: 2p21.
Variant type: single nucleotide variant.
Coding change: c.1873A>G on transcript NM_001430.5 (MANE Select); coding-DNA position 1873, A replaced by G.
Protein change: p.Ser625Gly; replaces serine 625 with glycine.
Molecular consequence: missense variant.
Genome position (GRCh38, 1-based): chr2:46,380,545, A>G. VCF-style: chr2-46380545-A-G. GRCh37 (hg19) VCF-style: chr2-46607684-A-G.
Other names: short protein forms S625G.
Identifiers: ClinVar variation 3221579 (VCV003221579.1), dbSNP rs774504970, ClinGen allele CA346705058.

ClinVar aggregate classification (germline): Uncertain significance (1 of 4 stars; one submission).

Conditions:
Inborn genetic diseases. Identifiers: MedGen C0950123, MeSH D030342.

gnomAD v4.1: 1 of 1,614,156 alleles (0.000062%); highest among the groups gnomAD compares: Non-Finnish European, 0.000085%; no homozygotes.

Submission:

Ambry Genetics
Classification: Uncertain significance for Inborn genetic diseases. Last evaluated: 2024-01-27. Review status: criteria provided, single submitter. Criteria: Ambry Variant Classification Scheme 2023. Collection method: clinical testing. Allele origin: germline.
Comment: The p.S625G variant (also known as c.1873A>G), located in coding exon 12 of the EPAS1 gene, results from an A to G substitution at nucleotide position 1873. The serine at codon 625 is replaced by glycine, an amino acid with similar properties. This amino acid position is conserved. In addition, this alteration is predicted to be tolerated by in silico analysis. Based on the available evidence, the clinical significance of this alteration remains unclear.